The following is an entry in ClinVar:

ClinVar aggregate classification (germline): Benign/Likely benign. Review status: criteria provided, multiple submitters, no conflicts (2 of 4 stars). 25 submissions from 18 submitters: Benign (17); Likely benign (4). 4 of the submissions do not count toward it. Last evaluated 2026-09-21.

Conditions:
Cardiovascular phenotype. Identifiers: MedGen CN230736.
Myopathy, myofibrillar, 9, with early respiratory failure (MFM9). Also called: Hereditary myopathy with early respiratory failure; MYOPATHY, PROXIMAL, WITH EARLY RESPIRATORY MUSCLE INVOLVEMENT; Myopathy, distal, with early respiratory failure, autosomal dominant; EDSTROM MYOPATHY. Identifiers: Orphanet 178464, Orphanet 34521, MedGen C1863599, MONDO:0011362, OMIM 603689.
Dilated cardiomyopathy 1G (CMD1G). Identifiers: Orphanet 154, MedGen C1858763, MONDO:0011400, OMIM 604145.
Autosomal recessive limb-girdle muscular dystrophy type 2J (LGMDR10). Also called: Limb-girdle muscular dystrophy, type 2J; MUSCULAR DYSTROPHY, LIMB-GIRDLE, AUTOSOMAL RECESSIVE 10. Identifiers: Orphanet 140922, MedGen C1837342, MONDO:0012127, OMIM 608807.
Early-onset myopathy with fatal cardiomyopathy (CMYO5). Also called: Salih Myopathy; CONGENITAL MYOPATHY 5 WITH CARDIOMYOPATHY. Identifiers: Orphanet 289377, MedGen C2673677, MONDO:0012714, OMIM 611705. Disease mechanism: loss of function.
Tibial muscular dystrophy (TMD). Also called: UDD MYOPATHY; Udd Distal Myopathy – Tibial Muscular Dystrophy; Tibial muscular dystrophy, tardive. Identifiers: Orphanet 609, MedGen C1838244, MONDO:0010870, OMIM 600334.

Allele frequency attached by ClinVar (database versions not stated): gnomAD exomes 0.00107 and 0.00285; gnomAD 0.01130 and 0.01213; TOPMed 0.01266; 1000 Genomes Project 0.01378; 1000 Genomes Project 30x 0.01468; ExAC 0.00357; ESP Exome Variant Server 0.01077.
gnomAD v4.1: 3,378 of 1,613,642 alleles (0.21%); highest among the groups gnomAD compares: African/African-American, 3.9%; 64 homozygotes.

Submissions (25):

Molecular Diagnostic Laboratory for Inherited Cardiovascular Disease, Montreal Heart Institute
Classification: Likely benign. Last evaluated: 2026-09-21. Review status: criteria provided, single submitter. Criteria: ACMG Guidelines, 2015. Collection method: clinical testing. Allele origin: germline. Affected: no.
Comment: BS1;BP6

Labcorp Genetics (formerly Invitae), Labcorp
Classification: Benign for Dilated cardiomyopathy 1G; Autosomal recessive limb-girdle muscular dystrophy type 2J. Last evaluated: 2026-02-03. Review status: criteria provided, single submitter. Criteria: Invitae Variant Classification Sherloc (09022015). Collection method: clinical testing. Allele origin: germline.

ARUP Laboratories, Molecular Genetics and Genomics, ARUP Laboratories
Classification: Benign. Last evaluated: 2025-06-25. Review status: criteria provided, single submitter. Criteria: ARUP Molecular Germline Variant Investigation Process 2024. Collection method: clinical testing. Allele origin: germline.

Athena Diagnostics
Classification: Benign. Last evaluated: 2024-03-08. Review status: criteria provided, single submitter. Criteria: Athena Diagnostics Criteria. Collection method: clinical testing. Allele origin: unknown.

Genome-Nilou Lab
Classification: Benign for Autosomal recessive limb-girdle muscular dystrophy type 2J. Last evaluated: 2021-09-10. Review status: criteria provided, single submitter. Criteria: ACMG Guidelines, 2015. Collection method: clinical testing. Allele origin: germline. Affected: no.

Genome-Nilou Lab
Classification: Benign for Myopathy, myofibrillar, 9, with early respiratory failure. Last evaluated: 2021-09-10. Review status: criteria provided, single submitter. Criteria: ACMG Guidelines, 2015. Collection method: clinical testing. Allele origin: germline. Affected: no.

Genome-Nilou Lab
Classification: Benign for Early-onset myopathy with fatal cardiomyopathy. Last evaluated: 2021-09-10. Review status: criteria provided, single submitter. Criteria: ACMG Guidelines, 2015. Collection method: clinical testing. Allele origin: germline. Affected: no.

Genome-Nilou Lab
Classification: Benign for Tibial muscular dystrophy. Last evaluated: 2021-09-10. Review status: criteria provided, single submitter. Criteria: ACMG Guidelines, 2015. Collection method: clinical testing. Allele origin: germline. Affected: no.

Women's Health and Genetics/Laboratory Corporation of America, LabCorp
Classification: Likely benign. Last evaluated: 2020-05-10. Review status: criteria provided, single submitter. Criteria: LabCorp Variant Classification Summary - May 2015. Collection method: clinical testing. Allele origin: germline.

Mayo Clinic Laboratories, Mayo Clinic
Classification: Benign. Last evaluated: 2019-04-15. Review status: criteria provided, single submitter. Criteria: ACMG Guidelines, 2015. Collection method: clinical testing. Allele origin: germline. Observed: 24 variant alleles.

Illumina Laboratory Services, Illumina
Classification: Benign for Early-onset myopathy with fatal cardiomyopathy. Last evaluated: 2018-01-13. Review status: criteria provided, single submitter. Criteria: ICSL Variant Classification Criteria 13 December 2019. Collection method: clinical testing. Allele origin: germline.
Comment: This variant was observed in the ICSL laboratory as part of a predisposition screen in an ostensibly healthy population. It had not been previously curated by ICSL or reported in the Human Gene Mutation Database (HGMD: prior to June 1st, 2018), and was therefore a candidate for classification through an automated scoring system. Utilizing variant allele frequency, disease prevalence and penetrance estimates, and inheritance mode, an automated score was calculated to assess if this variant is too frequent to cause the disease. Based on the score and internal cut-off values, a variant classified as benign is not then subjected to further curation. The score for this variant resulted in a classification of benign for this disease.

Illumina Laboratory Services, Illumina
Classification: Benign for Myopathy, myofibrillar, 9, with early respiratory failure. Last evaluated: 2018-01-13. Review status: criteria provided, single submitter. Criteria: ICSL Variant Classification Criteria 13 December 2019. Collection method: clinical testing. Allele origin: germline.
Comment: the same text as in the submission from Illumina Laboratory Services, Illumina above.

Illumina Laboratory Services, Illumina
Classification: Benign for Autosomal recessive limb-girdle muscular dystrophy type 2J. Last evaluated: 2018-01-13. Review status: criteria provided, single submitter. Criteria: ICSL Variant Classification Criteria 13 December 2019. Collection method: clinical testing. Allele origin: germline.
Comment: the same text as in the submission from Illumina Laboratory Services, Illumina above.

Illumina Laboratory Services, Illumina
Classification: Benign for Tibial muscular dystrophy. Last evaluated: 2018-01-13. Review status: criteria provided, single submitter. Criteria: ICSL Variant Classification Criteria 13 December 2019. Collection method: clinical testing. Allele origin: germline.
Comment: the same text as in the submission from Illumina Laboratory Services, Illumina above.

Illumina Laboratory Services, Illumina
Classification: Likely benign for Dilated cardiomyopathy 1G. Last evaluated: 2018-01-13. Review status: criteria provided, single submitter. Criteria: ICSL Variant Classification Criteria 13 December 2019. Collection method: clinical testing. Allele origin: germline.
Comment: This variant was observed in the ICSL laboratory as part of a predisposition screen in an ostensibly healthy population. It had not been previously curated by ICSL or reported in the Human Gene Mutation Database (HGMD: prior to June 1st, 2018), and was therefore a candidate for classification through an automated scoring system. Utilizing variant allele frequency, disease prevalence and penetrance estimates, and inheritance mode, an automated score was calculated to assess if this variant is too frequent to cause the disease. Based on the score and internal cut-off values, a variant classified as likely benign is not then subjected to further curation. The score for this variant resulted in a classification of likely benign for this disease.

GeneDx
Classification: Benign. Last evaluated: 2014-06-26. Review status: criteria provided, single submitter. Criteria: GeneDx Variant Classification (06012015). Collection method: clinical testing. Allele origin: germline. Affected: yes.
Comment: This variant is considered likely benign or benign based on one or more of the following criteria: it is a conservative change, it occurs at a poorly conserved position in the protein, it is predicted to be benign by multiple in silico algorithms, and/or has population frequency not consistent with disease.

Biesecker Lab/Clinical Genomics Section, National Institutes of Health
Classification: Benign. Last evaluated: 2013-06-24. Review status: criteria provided, single submitter. Criteria: Ng et al. (Circ Cardiovasc Genet. 2013). Collection method: research. Allele origin: unknown. Observed: 1 variant allele. Study: ClinSeq.
Comment: The study set was not selected for affection status in relation to any cancer. Pathogenicity categories were based on literature curation. See Pubmed ID:23861362 for details.

Medical sequencing

Ambry Genetics
Classification: Benign for Cardiovascular phenotype. Last evaluated: 2013-05-31. Review status: criteria provided, single submitter. Criteria: Ambry Autosomal Dominant and X-Linked criteria (10/2015). Collection method: clinical testing. Allele origin: germline. Observed: 1 variant allele.

Laboratory for Molecular Medicine, Mass General Brigham Personalized Medicine
Classification: Benign. Last evaluated: 2012-11-28. Review status: criteria provided, single submitter. Criteria: LMM Criteria. Collection method: clinical testing. Allele origin: germline. Observed: 15 variant alleles.
Comment: Pro30919Ser in exon 306 of TTN: This variant is not expected to have clinical si gnificance because it has been identified in 3.4% (127/3756) of African American chromosomes from a broad population by the NHLBI Exome Sequencing Project (dbSNP rs72629779).

Breakthrough Genomics
Classification: Likely benign. Review status: criteria provided, single submitter. Criteria: ACMG Guidelines, 2015. Collection method: not provided. Allele origin: germline. Inheritance: Autosomal recessive inheritance. Affected: yes.

PreventionGenetics, part of Exact Sciences
Classification: Benign. Review status: criteria provided, single submitter. Criteria: ACMG Guidelines, 2015. Collection method: clinical testing. Allele origin: germline.

Clinical Genetics DNA and cytogenetics Diagnostics Lab, Erasmus MC, Erasmus Medical Center
Classification: Benign. Review status: no assertion criteria provided. Collection method: clinical testing. Allele origin: germline. Affected: yes. Study: VKGL Data-share Consensus. Not counted in ClinVar's aggregate classification.

Clinical Genetics, Academic Medical Center
Classification: Benign. Review status: no assertion criteria provided. Collection method: clinical testing. Allele origin: germline. Affected: yes. Study: VKGL Data-share Consensus. Not counted in ClinVar's aggregate classification.

Genetic Services Laboratory, University of Chicago
Classification: Likely benign for AllHighlyPenetrant. Review status: no assertion criteria provided. Collection method: clinical testing. Allele origin: germline. Not counted in ClinVar's aggregate classification.
Comment: Likely benign based on allele frequency in 1000 Genomes Project or ESP global frequency and its presence in a patient with a rare or unrelated disease phenotype. NOT Sanger confirmed.

Joint Genome Diagnostic Labs from Nijmegen and Maastricht, Radboudumc and MUMC+
Classification: Benign. Review status: no assertion criteria provided. Collection method: clinical testing. Allele origin: germline. Affected: yes. Study: VKGL Data-share Consensus. Not counted in ClinVar's aggregate classification.

NM_001267550.2(TTN):c.100459C>T (p.Pro33487Ser)

Genes: TTN (titin; minus strand), TTN-AS1 (TTN antisense RNA 1; plus strand). Cytogenetic location: 2q31.2.
Variant type: single nucleotide variant.
Coding change: c.100459C>T on transcript NM_001267550.2 (MANE Select); coding-DNA position 100459, C replaced by T.
Protein change: p.Pro33487Ser; replaces proline 33487 with serine.
Molecular consequence: missense variant.
Genome position (GRCh38, 1-based): chr2:178,536,288, G>A on the plus strand (C>T on the coding strand, the complement: TTN is on the minus strand). VCF-style: chr2-178536288-G-A. GRCh37 (hg19) VCF-style: chr2-179401015-G-A.
Other names: p.P31846S:CCC>TCC; c.95536C>T, p.Pro31846Ser (NM_001256850.1); c.92755C>T, p.Pro30919Ser (NM_133378.4); c.73264C>T, p.Pro24422Ser (NM_003319.4); c.73639C>T, p.Pro24547Ser (NM_133432.3); c.73840C>T, p.Pro24614Ser (NM_133437.4); short protein forms P33487S, P30919S, P31846S, P24422S, P24547S, P24614S.
Identifiers: ClinVar variation 47628 (VCV000047628.46), dbSNP rs72629779, ClinGen allele CA284222.